The following is an entry in ClinVar:

NM_003482.4(KMT2D):c.2264G>A (p.Arg755Gln)

Gene: KMT2D (lysine methyltransferase 2D; minus strand). Cytogenetic location: 12q13.12.
Variant type: single nucleotide variant.
Coding change: c.2264G>A on transcript NM_003482.4 (MANE Select); coding-DNA position 2264, G replaced by A.
Protein change: p.Arg755Gln; replaces arginine 755 with glutamine.
Molecular consequence: missense variant.
Genome position (GRCh38, 1-based): chr12:49,051,419, C>T on the plus strand (G>A on the coding strand, the complement: KMT2D is on the minus strand). VCF-style: chr12-49051419-C-T. GRCh37 (hg19) VCF-style: chr12-49445202-C-T.
Other names: c.2264G>A (NM_003482.3); short protein forms R755Q.
Identifiers: ClinVar variation 598464 (VCV000598464.25), dbSNP rs776110112, ClinGen allele CA6548300.

ClinVar aggregate classification (germline): Conflicting classifications of pathogenicity. Review status: criteria provided, conflicting classifications (1 of 4 stars). 4 submissions from 4 submitters: Uncertain significance (2); Benign (1); Likely benign (1). Last evaluated 2026-02-17.

Conditions:
KMT2D-related disorder. Also called: KMT2D-Related Disorders.
Kabuki syndrome. Also called: NIIKAWA-KUROKI SYNDROME; Kabuki make-up syndrome. Identifiers: Orphanet 2322, MedGen C0796004, MONDO:0016512.

gnomAD v4.1: 15 of 1,594,578 alleles (0.00094%); highest among the groups gnomAD compares: African/African-American, 0.0044%; no homozygotes.

Submissions (4):

PreventionGenetics, part of Exact Sciences
Classification: Uncertain significance for KMT2D-related condition. Last evaluated: 2026-02-17. Review status: criteria provided, single submitter. Criteria: ACMG Guidelines, 2015. Collection method: clinical testing. Allele origin: germline.
Comment: The KMT2D c.2264G>A variant is predicted to result in the amino acid substitution p.Arg755Gln. To our knowledge, this variant has not been reported in the literature. This variant is reported in 0.0070% of alleles in individuals of African descent in gnomAD. At this time, the clinical significance of this variant is uncertain due to the absence of conclusive functional and genetic evidence.

Labcorp Genetics (formerly Invitae), Labcorp
Classification: Benign for Kabuki syndrome. Last evaluated: 2025-10-31. Review status: criteria provided, single submitter. Criteria: Invitae Variant Classification Sherloc (09022015). Collection method: clinical testing. Allele origin: germline.

CeGaT Center for Human Genetics Tuebingen
Classification: Likely benign. Last evaluated: 2024-08-01. Review status: criteria provided, single submitter. Criteria: CeGaT Center For Human Genetics Tuebingen Variant Classification Criteria Version 2. Collection method: clinical testing. Allele origin: germline. Affected: yes. Observed: 2 variant alleles.
Comment: KMT2D: BP4

Eurofins Ntd Llc (ga)
Classification: Uncertain significance. Last evaluated: 2018-08-24. Review status: criteria provided, single submitter. Criteria: EGL ClinVar v180209 classification definitions. Collection method: clinical testing. Allele origin: germline. Observed: 1 variant allele, 1 heterozygote.